The following is an entry in ClinVar:

ClinVar aggregate classification (germline): Uncertain significance. Review status: criteria provided, multiple submitters, no conflicts (2 of 4 stars). 2 submissions from 2 submitters: Uncertain significance (2). Last evaluated 2025-08-28.

Conditions:
Hereditary cancer-predisposing syndrome. Also called: Neoplastic Syndromes, Hereditary; Tumor predisposition; Hereditary Cancer Syndrome; Hereditary neoplastic syndrome. Identifiers: Orphanet 140162, MedGen C0027672, MeSH D009386, MONDO:0015356.
Familial cancer of breast. Also called: BREAST CANCER, FAMILIAL; hereditary breast carcinoma; Hereditary breast cancer. Identifiers: Orphanet 227535, MedGen C0346153, MONDO:0016419, OMIM 114480. Disease mechanism: loss of function.

Submissions (2):

Ambry Genetics
Classification: Uncertain significance for Hereditary cancer-predisposing syndrome. Last evaluated: 2025-08-28. Review status: criteria provided, single submitter. Criteria: Ambry Variant Classification Scheme 2023. Collection method: clinical testing. Allele origin: germline.
Comment: The p.K365E variant (also known as c.1093A>G), located in coding exon 9 of the CHEK2 gene, results from an A to G substitution at nucleotide position 1093. The lysine at codon 365 is replaced by glutamic acid, an amino acid with similar properties. This amino acid position is highly conserved in available vertebrate species. In addition, this alteration is predicted to be deleterious by in silico analysis. Based on the available evidence, the clinical significance of this variant remains unclear.

Labcorp Genetics (formerly Invitae), Labcorp
Classification: Uncertain significance for Familial cancer of breast. Last evaluated: 2023-10-18. Review status: criteria provided, single submitter. Criteria: Invitae Variant Classification Sherloc (09022015). Collection method: clinical testing. Allele origin: germline.
Comment: This sequence change replaces lysine, which is basic and polar, with glutamic acid, which is acidic and polar, at codon 365 of the CHEK2 protein (p.Lys365Glu). This variant is not present in population databases (gnomAD no frequency). This variant has not been reported in the literature in individuals affected with CHEK2-related conditions. ClinVar contains an entry for this variant (Variation ID: 232685). An algorithm developed to predict the effect of missense changes on protein structure and function (PolyPhen-2) suggests that this variant is likely to be disruptive. In summary, the available evidence is currently insufficient to determine the role of this variant in disease. Therefore, it has been classified as a Variant of Uncertain Significance.

NM_007194.4(CHEK2):c.1093A>G (p.Lys365Glu)

Gene: CHEK2 (checkpoint kinase 2; minus strand). Cytogenetic location: 22q12.1.
Variant type: single nucleotide variant.
Coding change: c.1093A>G on transcript NM_007194.4 (MANE Select); coding-DNA position 1093, A replaced by G.
Protein change: p.Lys365Glu; replaces lysine 365 with glutamic acid.
Molecular consequence: missense variant. On other transcripts: intron variant (3).
Genome position (GRCh38, 1-based): chr22:28,696,903, T>C on the plus strand (A>G on the coding strand, the complement: CHEK2 is on the minus strand). VCF-style: chr22-28696903-T-C. GRCh37 (hg19) VCF-style: chr22-29092891-T-C.
Other names: c.1222A>G, p.Lys408Glu (NM_001005735.3); c.430A>G, p.Lys144Glu (NM_001257387.3, NM_001437942.1); c.892A>G, p.Lys298Glu (NM_001349956.3); c.1186A>G, p.Lys396Glu (NM_001438293.1); c.1009-1030A>G (NM_145862.3); c.1102-1030A>G (NM_001438295.1); c.1138-1030A>G (NM_001438294.1); short protein forms K365E, K144E, K298E, K408E, K396E.
Identifiers: ClinVar variation 232685 (VCV000232685.18), dbSNP rs876659921, ClinGen allele CA10581055.